The following is an entry in ClinVar:

ClinVar aggregate classification (germline): Uncertain significance (1 of 4 stars; one submission).

Conditions:
Multiple acyl-CoA dehydrogenase deficiency (MADD). Also called: Glutaric aciduria, type 2; ETHYLMALONIC-ADIPICACIDURIA; GA II; Glutaric acidemia type II; GA 2; Glutaric Acidemia type 2. Identifiers: Orphanet 26791, MedGen C0268596, MONDO:0009282, OMIM 231680.

Allele frequency attached by ClinVar (database versions not stated): gnomAD exomes below 0.00001.
gnomAD v4.1: 2 of 1,612,720 alleles (0.00012%); highest among the groups gnomAD compares: Admixed American, 0.0033%; no homozygotes.

Submission:

Labcorp Genetics (formerly Invitae), Labcorp
Classification: Uncertain significance for Multiple acyl-CoA dehydrogenase deficiency. Last evaluated: 2022-10-10. Review status: criteria provided, single submitter. Criteria: Invitae Variant Classification Sherloc (09022015). Collection method: clinical testing. Allele origin: germline.
Comment: This sequence change replaces arginine, which is basic and polar, with glycine, which is neutral and non-polar, at codon 233 of the ETFDH protein (p.Arg233Gly). This variant is not present in population databases (gnomAD no frequency). This missense change has been observed in individual(s) with biochemical features of multiple acyl-CoA dehydrogenase deficiency (Invitae). Advanced modeling of protein sequence and biophysical properties (such as structural, functional, and spatial information, amino acid conservation, physicochemical variation, residue mobility, and thermodynamic stability) performed at Invitae indicates that this missense variant is expected to disrupt ETFDH protein function. In summary, the available evidence is currently insufficient to determine the role of this variant in disease. Therefore, it has been classified as a Variant of Uncertain Significance.

NM_004453.4(ETFDH):c.697A>G (p.Arg233Gly)

Gene: ETFDH (electron transfer flavoprotein dehydrogenase; plus strand). Cytogenetic location: 4q32.1.
Variant type: single nucleotide variant.
Coding change: c.697A>G on transcript NM_004453.4 (MANE Select); coding-DNA position 697, A replaced by G.
Protein change: p.Arg233Gly; replaces arginine 233 with glycine.
Molecular consequence: missense variant.
Genome position (GRCh38, 1-based): chr4:158,695,509, A>G. VCF-style: chr4-158695509-A-G. GRCh37 (hg19) VCF-style: chr4-159616661-A-G.
Other names: c.556A>G, p.Arg186Gly (NM_001281737.2); c.514A>G, p.Arg172Gly (NM_001281738.1); short protein forms R172G, R186G, R233G.
Identifiers: ClinVar variation 2187059 (VCV002187059.1), dbSNP rs2479111015, ClinGen allele CA358560596.